The following is an entry in ClinVar:

NM_005419.4(STAT2):c.1514CCT[1] (p.Ser506del)

Gene: STAT2 (signal transducer and activator of transcription 2; minus strand). Cytogenetic location: 12q13.3.
Variant type: Microsatellite.
Coding change: c.1514CCT[1] on transcript NM_005419.4 (MANE Select); one copy of the 3-base unit CCT starting at c.1514; the reference has two copies in a row; one copy, 3 bases deleted.
Protein change: p.Ser506del; deletes serine 506.
Molecular consequence: inframe deletion.
Genome position (GRCh38, 1-based): chr12:56,348,981-56,348,983, AGG deleted on the plus strand (CCT on the coding strand, the reverse complement: STAT2 is on the minus strand); deleting any 3 consecutive bases within chr12:56,348,981-56,348,988 gives the same sequence; the position shown is the placement nearest the transcript's 3' end. VCF-style (leftmost placement, unchanged base first): chr12-56348980-TAGG-T. GRCh37 (hg19) VCF-style: chr12-56742764-TAGG-T.
Other names: c.1481CCT[1], p.Ser495del (NM_001385110.1); c.1415CCT[1], p.Ser473del (NM_001385111.1); c.1514CCT[1], p.Ser506del (NM_001385113.1); c.1493CCT[1], p.Ser499del (NM_001385114.1); c.1472CCT[1], p.Ser492del (NM_001385115.1); c.1502CCT[1], p.Ser502del (NM_198332.2); short protein forms S473del, S495del, S506del, S492del, S499del, S502del.
Identifiers: ClinVar variation 2144915 (VCV002144915.1), dbSNP rs777637870, ClinGen allele CA6630487.

ClinVar aggregate classification (germline): Uncertain significance (1 of 4 stars; one submission).

Conditions:
Primary immunodeficiency with post-measles-mumps-rubella vaccine viral infection. Also called: Immunodeficiency 44. Identifiers: Orphanet 431166, MedGen C4225260, MONDO:0014715, OMIM 616636.

Submission:

Labcorp Genetics (formerly Invitae), Labcorp
Classification: Uncertain significance for Primary immunodeficiency with post-measles-mumps-rubella vaccine viral infection. Last evaluated: 2022-02-20. Review status: criteria provided, single submitter. Criteria: Invitae Variant Classification Sherloc (09022015). Collection method: clinical testing. Allele origin: germline.
Comment: This variant, c.1517_1519del, results in the deletion of 1 amino acid(s) of the STAT2 protein (p.Ser506del), but otherwise preserves the integrity of the reading frame. This variant is present in population databases (rs777637870, gnomAD 0.005%). This variant has not been reported in the literature in individuals affected with STAT2-related conditions. Experimental studies and prediction algorithms are not available or were not evaluated, and the functional significance of this variant is currently unknown. In summary, the available evidence is currently insufficient to determine the role of this variant in disease. Therefore, it has been classified as a Variant of Uncertain Significance.